The following is an entry in ClinVar:

NM_013291.3(CPSF1):c.1821C>G (p.Val607=)

Gene: CPSF1 (cleavage and polyadenylation specific factor 1; minus strand). Cytogenetic location: 8q24.3.
Variant type: single nucleotide variant.
Coding change: c.1821C>G on transcript NM_013291.3 (MANE Select); coding-DNA position 1821, C replaced by G.
Protein change: p.Val607=; no amino-acid change (valine 607 retained).
Molecular consequence: synonymous variant.
Genome position (GRCh38, 1-based): chr8:144,398,375, G>C on the plus strand (C>G on the coding strand, the complement: CPSF1 is on the minus strand). VCF-style: chr8-144398375-G-C.
Identifiers: ClinVar variation 4981037 (VCV004981037.1).

ClinVar aggregate classification (germline): Likely benign (1 of 4 stars; one submission).

Conditions:
CPSF1-related disorder. Also called: CPSF1-related condition.

Submission:

PreventionGenetics, part of Exact Sciences
Classification: Likely benign for CPSF1-related condition. Last evaluated: 2025-11-18. Review status: criteria provided, single submitter. Criteria: ACMG Guidelines, 2015. Collection method: clinical testing. Allele origin: germline.
Comment: This variant is classified as likely benign based on ACMG/AMP sequence variant interpretation guidelines (Richards et al. 2015 PMID: 25741868, with internal and published modifications).